The following is an entry in ClinVar:

ClinVar aggregate classification (germline): Uncertain significance (1 of 4 stars; one submission).

Allele frequency attached by ClinVar (database versions not stated): ExAC 0.00001.
gnomAD v4.1: 2 of 1,614,076 alleles (0.00012%); highest among the groups gnomAD compares: Admixed American, 0.0017%; no homozygotes.

Submission:

Labcorp Genetics (formerly Invitae), Labcorp
Classification: Uncertain significance. Last evaluated: 2024-08-30. Review status: criteria provided, single submitter. Criteria: Invitae Variant Classification Sherloc (09022015). Collection method: clinical testing. Allele origin: germline.
Comment: This sequence change replaces alanine, which is neutral and non-polar, with aspartic acid, which is acidic and polar, at codon 1274 of the DLC1 protein (p.Ala1274Asp). This variant is present in population databases (rs769211247, gnomAD 0.003%). This variant has not been reported in the literature in individuals affected with DLC1-related conditions. An algorithm developed to predict the effect of missense changes on protein structure and function (PolyPhen-2) suggests that this variant is likely to be disruptive. In summary, the available evidence is currently insufficient to determine the role of this variant in disease. Therefore, it has been classified as a Variant of Uncertain Significance.

NM_182643.3(DLC1):c.3821C>A (p.Ala1274Asp)

Gene: DLC1 (DLC1 Rho GTPase activating protein; minus strand). Cytogenetic location: 8p22.
Variant type: single nucleotide variant.
Coding change: c.3821C>A on transcript NM_182643.3 (MANE Select); coding-DNA position 3821, C replaced by A.
Protein change: p.Ala1274Asp; replaces alanine 1274 with aspartic acid.
Molecular consequence: missense variant.
Genome position (GRCh38, 1-based): chr8:13,091,352, G>T on the plus strand (C>A on the coding strand, the complement: DLC1 is on the minus strand). VCF-style: chr8-13091352-G-T. GRCh37 (hg19) VCF-style: chr8-12948861-G-T.
Other names: c.2288C>A, p.Ala763Asp (NM_001164271.2, NM_001348082.2, NM_001348083.1 and 6 more transcripts); c.2612C>A, p.Ala871Asp (NM_001316668.2, NM_001413129.1); c.3821C>A, p.Ala1274Asp (NM_001348081.2, NM_001413124.1); c.2603C>A, p.Ala868Asp (NM_001413130.1); c.2261C>A, p.Ala754Asp (NM_001413131.1, NM_001413137.1); c.2747C>A, p.Ala916Asp (NM_001413132.1); c.2510C>A, p.Ala837Asp (NM_001413135.1, NM_001413136.1, NM_001413139.1 and 1 more transcripts); c.2645C>A, p.Ala882Asp (NM_001413140.1); short protein forms A1274D, A763D, A868D, A754D, A882D, A871D, A837D, A916D.
Identifiers: ClinVar variation 2892527 (VCV002892527.3), dbSNP rs769211247, ClinGen allele CA4638158.
Genomic context (GRCh38, chr8:13,091,352, plus strand): 5'-AGGAGCCAAACTTCTCAATTCCTTACCTGGAAAAGCTTCTTGCACTCGGCGATCATATGG[G>T]CCAGCCCTTGAGTGGCAGCTAGGTTTTCATTCAAATCTTTCTGATCTGGTTTGCCCAAAC-3'
Protein context (NP_872584.2, residues 1264-1284): NENLAATQGL[Ala1274Asp]HMIAECKKLF